The following is an entry in ClinVar:

ClinVar aggregate classification (germline): Uncertain significance (1 of 4 stars; one submission).

Allele frequency attached by ClinVar (database versions not stated): gnomAD exomes below 0.00001.
gnomAD v4.1: 1 of 1,614,050 alleles (0.000062%); highest among the groups gnomAD compares: Non-Finnish European, 0.000085%; no homozygotes.

Submission:

Labcorp Genetics (formerly Invitae), Labcorp
Classification: Uncertain significance. Last evaluated: 2024-11-05. Review status: criteria provided, single submitter. Criteria: Invitae Variant Classification Sherloc (09022015). Collection method: clinical testing. Allele origin: germline.
Comment: This sequence change replaces phenylalanine, which is neutral and non-polar, with leucine, which is neutral and non-polar, at codon 613 of the CNGB3 protein (p.Phe613Leu). This variant is not present in population databases (gnomAD no frequency). This variant has not been reported in the literature in individuals affected with CNGB3-related conditions. ClinVar contains an entry for this variant (Variation ID: 2079903). Invitae Evidence Modeling of protein sequence and biophysical properties (such as structural, functional, and spatial information, amino acid conservation, physicochemical variation, residue mobility, and thermodynamic stability) has been performed for this missense variant. However, the output from this modeling did not meet the statistical confidence thresholds required to predict the impact of this variant on CNGB3 protein function. In summary, the available evidence is currently insufficient to determine the role of this variant in disease. Therefore, it has been classified as a Variant of Uncertain Significance.

NM_019098.5(CNGB3):c.1837T>C (p.Phe613Leu)

Gene: CNGB3 (cyclic nucleotide gated channel subunit beta 3; minus strand). Cytogenetic location: 8q21.3.
Variant type: single nucleotide variant.
Coding change: c.1837T>C on transcript NM_019098.5 (MANE Select); coding-DNA position 1837, T replaced by C.
Protein change: p.Phe613Leu; replaces phenylalanine 613 with leucine.
Molecular consequence: missense variant.
Genome position (GRCh38, 1-based): chr8:86,579,197, A>G on the plus strand (T>C on the coding strand, the complement: CNGB3 is on the minus strand). VCF-style: chr8-86579197-A-G. GRCh37 (hg19) VCF-style: chr8-87591425-A-G.
Other names: short protein forms F613L.
Identifiers: ClinVar variation 2079903 (VCV002079903.4), dbSNP rs2538028879, ClinGen allele CA371447944.